The following is an entry in ClinVar:

ClinVar aggregate classification (germline): Uncertain significance (1 of 4 stars; one submission).

Conditions:
Carney complex, type 1 (CNC1). Also called: CARNEY MYXOMA-ENDOCRINE COMPLEX; CARNEY COMPLEX, TYPE I. Identifiers: Orphanet 1359, MedGen C2607929, MONDO:0008057, OMIM 160980.

Submission:

Labcorp Genetics (formerly Invitae), Labcorp
Classification: Uncertain significance for Carney complex, type 1. Last evaluated: 2025-04-29. Review status: criteria provided, single submitter. Criteria: Invitae Variant Classification Sherloc (09022015). Collection method: clinical testing. Allele origin: germline.
Comment: This variant occurs in a non-coding region of the PRKAR1A gene. It does not change the encoded amino acid sequence of the PRKAR1A protein. This variant is not present in population databases (gnomAD no frequency). This variant has not been reported in the literature in individuals affected with PRKAR1A-related conditions. In summary, the available evidence is currently insufficient to determine the role of this variant in disease. Therefore, it has been classified as a Variant of Uncertain Significance.

NM_002734.5(PRKAR1A):c.-15C>G

Gene: PRKAR1A (protein kinase cAMP-dependent type I regulatory subunit alpha; plus strand). Cytogenetic location: 17q24.2.
Variant type: single nucleotide variant.
Coding change: c.-15C>G on transcript NM_002734.5 (MANE Select); 15 bases upstream of the start codon, C replaced by G.
Molecular consequence: 5 prime UTR variant. On other transcripts: intron variant (3).
Genome position (GRCh38, 1-based): chr17:68,512,540, C>G. VCF-style: chr17-68512540-C-G. GRCh37 (hg19) VCF-style: chr17-66508681-C-G.
Other names: c.-148C>G (NM_001276289.2); c.-46C>G (NM_212472.2); c.-6-2854C>G (NM_001278433.2); c.-140+398C>G (NM_001369389.1); c.-7+398C>G (NM_212471.3).
Identifiers: ClinVar variation 4752150 (VCV004752150.1).